The following is an entry in ClinVar:

NM_130837.3(OPA1):c.560A>G (p.His187Arg)

Gene: OPA1 (OPA1 mitochondrial dynamin like GTPase; plus strand). Cytogenetic location: 3q29.
Variant type: single nucleotide variant.
Coding change: c.560A>G on transcript NM_130837.3 (MANE Select); coding-DNA position 560, A replaced by G.
Protein change: p.His187Arg; replaces histidine 187 with arginine.
Molecular consequence: missense variant. On other transcripts: intron variant (6).
Genome position (GRCh38, 1-based): chr3:193,617,787, A>G. VCF-style: chr3-193617787-A-G. GRCh37 (hg19) VCF-style: chr3-193335576-A-G.
Other names: c.452A>G, p.His151Arg (NM_130832.3, NM_130835.3); c.560A>G, p.His187Arg (NM_130834.3); c.184+502A>G (NM_001354664.2); c.77-1082A>G (NM_001354663.2); c.556+502A>G (NM_130836.3, NM_015560.3); c.449-1082A>G (NM_130833.3, NM_130831.3); short protein forms H151R, H187R.
Identifiers: ClinVar variation 1575148 (VCV001575148.8), dbSNP rs1022524955, ClinGen allele CA90569737.

ClinVar aggregate classification (germline): Uncertain significance (1 of 4 stars; one submission).

Allele frequency attached by ClinVar (database versions not stated): gnomAD exomes below 0.00001 and 0.00001; TOPMed 0.00001.
gnomAD v4.1: 4 of 1,611,408 alleles (0.00025%); highest among the groups gnomAD compares: South Asian, 0.0022%; no homozygotes.

Submission:

Labcorp Genetics (formerly Invitae), Labcorp
Classification: Uncertain significance. Last evaluated: 2024-02-02. Review status: criteria provided, single submitter. Criteria: Invitae Variant Classification Sherloc (09022015). Collection method: clinical testing. Allele origin: germline.
Comment: The OPA1 gene has multiple clinically relevant transcripts. This variant occurs in alternate transcript NM_130837.2, and corresponds to NM_015560.2:c.556+502A>G in the primary transcript. This sequence change replaces histidine, which is basic and polar, with arginine, which is basic and polar, at codon 187 of the OPA1 protein (p.His187Arg). This variant is present in population databases (no rsID available, gnomAD 0.002%). This variant has not been reported in the literature in individuals affected with OPA1-related conditions. ClinVar contains an entry for this variant (Variation ID: 1575148). Algorithms developed to predict the effect of sequence changes on RNA splicing suggest that this variant may create or strengthen a splice site. In summary, the available evidence is currently insufficient to determine the role of this variant in disease. Therefore, it has been classified as a Variant of Uncertain Significance.